The following is an entry in ClinVar:

ClinVar aggregate classification (germline): Likely benign. Review status: criteria provided, multiple submitters, no conflicts (2 of 4 stars). 2 submissions from 2 submitters: Likely benign (2). Last evaluated 2026-04-12.

Conditions:
FREM2-related disorder. Also called: FREM2-related condition.

Allele frequency attached by ClinVar (database versions not stated): TOPMed below 0.00001; gnomAD 0.00001; gnomAD exomes 0.00001; ExAC 0.00002.
gnomAD v4.1: 15 of 1,569,278 alleles (0.00096%); highest among the groups gnomAD compares: Non-Finnish European, 0.0012%; no homozygotes.

Submissions (2):

PreventionGenetics, part of Exact Sciences
Classification: Likely benign for FREM2-related condition. Last evaluated: 2026-04-12. Review status: criteria provided, single submitter. Criteria: ACMG Guidelines, 2015. Collection method: clinical testing. Allele origin: germline.
Comment: This variant is classified as likely benign based on ACMG/AMP sequence variant interpretation guidelines (Richards et al. 2015 PMID: 25741868, with internal and published modifications).

Labcorp Genetics (formerly Invitae), Labcorp
Classification: Likely benign. Last evaluated: 2024-02-26. Review status: criteria provided, single submitter. Criteria: Invitae Variant Classification Sherloc (09022015). Collection method: clinical testing. Allele origin: germline.

NM_207361.6(FREM2):c.525C>T (p.Val175=)

Gene: FREM2 (FRAS1 related extracellular matrix 2; plus strand). Cytogenetic location: 13q13.3.
Variant type: single nucleotide variant.
Coding change: c.525C>T on transcript NM_207361.6 (MANE Select); coding-DNA position 525, C replaced by T.
Protein change: p.Val175=; no amino-acid change (valine 175 retained).
Molecular consequence: synonymous variant.
Genome position (GRCh38, 1-based): chr13:38,687,869, C>T. VCF-style: chr13-38687869-C-T. GRCh37 (hg19) VCF-style: chr13-39262006-C-T.
Other names: c.525C>T (NM_207361.5).
Identifiers: ClinVar variation 2795826 (VCV002795826.4), dbSNP rs748508758, ClinGen allele CA6954224.